The following is an entry in ClinVar:

NM_016156.6(MTMR2):c.626A>G (p.Tyr209Cys)

Gene: MTMR2 (myotubularin related protein 2; minus strand). Cytogenetic location: 11q21.
Variant type: single nucleotide variant.
Coding change: c.626A>G on transcript NM_016156.6 (MANE Select); coding-DNA position 626, A replaced by G.
Protein change: p.Tyr209Cys; replaces tyrosine 209 with cysteine.
Molecular consequence: missense variant.
Genome position (GRCh38, 1-based): chr11:95,857,580, T>C on the plus strand (A>G on the coding strand, the complement: MTMR2 is on the minus strand). VCF-style: chr11-95857580-T-C. GRCh37 (hg19) VCF-style: chr11-95590744-T-C.
Other names: c.410A>G, p.Tyr137Cys (NM_001243571.2, NM_201278.3, NM_201281.3); short protein forms Y137C, Y209C.
Identifiers: ClinVar variation 660995 (VCV000660995.10), dbSNP rs967619161, ClinGen allele CA226608925.

ClinVar aggregate classification (germline): Uncertain significance (1 of 4 stars; one submission).

Conditions:
Charcot-Marie-Tooth disease type 4. Also called: Charcot-Marie-Tooth, Type 4; Charcot-Marie-Tooth disease, type IV. Identifiers: Orphanet 64749, MedGen C4082197, MONDO:0018995.

Allele frequency attached by ClinVar (database versions not stated): gnomAD exomes below 0.00001; gnomAD 0.00001; TOPMed 0.00004.
gnomAD v4.1: 4 of 1,612,310 alleles (0.00025%); highest among the groups gnomAD compares: Admixed American, 0.0017%; no homozygotes.

Submission:

Labcorp Genetics (formerly Invitae), Labcorp
Classification: Uncertain significance for Charcot-Marie-Tooth disease type 4. Last evaluated: 2019-12-19. Review status: criteria provided, single submitter. Criteria: Invitae Variant Classification Sherloc (09022015). Collection method: clinical testing. Allele origin: germline.
Comment: In summary, the available evidence is currently insufficient to determine the role of this variant in disease. Therefore, it has been classified as a Variant of Uncertain Significance. Algorithms developed to predict the effect of missense changes on protein structure and function (SIFT, PolyPhen-2, Align-GVGD) all suggest that this variant is likely to be disruptive, but these predictions have not been confirmed by published functional studies and their clinical significance is uncertain. This variant has not been reported in the literature in individuals with MTMR2-related disease. This variant is not present in population databases (ExAC no frequency). This sequence change replaces tyrosine with cysteine at codon 209 of the MTMR2 protein (p.Tyr209Cys). The tyrosine residue is highly conserved and there is a large physicochemical difference between tyrosine and cysteine.